The following is an entry in ClinVar:

NM_024996.7(GFM1):c.811G>A (p.Glu271Lys)

Gene: GFM1 (G elongation factor mitochondrial 1; plus strand). Cytogenetic location: 3q25.32.
Variant type: single nucleotide variant.
Coding change: c.811G>A on transcript NM_024996.7 (MANE Select); coding-DNA position 811, G replaced by A.
Protein change: p.Glu271Lys; replaces glutamic acid 271 with lysine.
Molecular consequence: missense variant. On other transcripts: non-coding transcript variant (4).
Genome position (GRCh38, 1-based): chr3:158,652,217, G>A. VCF-style: chr3-158652217-G-A. GRCh37 (hg19) VCF-style: chr3-158370006-G-A.
Other names: c.868G>A, p.Glu290Lys (NM_001308164.2, NM_001374355.1); c.811G>A, p.Glu271Lys (NM_001308166.2); c.694G>A, p.Glu232Lys (NM_001374356.1); c.586G>A, p.Glu196Lys (NM_001374357.1); c.352G>A, p.Glu118Lys (NM_001374358.1); c.244G>A, p.Glu82Lys (NM_001374359.1, NM_001374360.1); c.127G>A, p.Glu43Lys (NM_001374361.1); short protein forms E118K, E232K, E196K, E290K, E43K, E82K, E271K.
Identifiers: ClinVar variation 4986381 (VCV004986381.1).

ClinVar aggregate classification (germline): Uncertain significance (1 of 4 stars; one submission).

Conditions:
GFM1-related disorder. Also called: GFM1-related condition.

gnomAD v4.1: 5 of 1,613,902 alleles (0.00031%); highest among the groups gnomAD compares: African/African-American, 0.0053%; no homozygotes.

Submission:

PreventionGenetics, part of Exact Sciences
Classification: Uncertain significance for GFM1-related condition. Last evaluated: 2026-01-07. Review status: criteria provided, single submitter. Criteria: ACMG Guidelines, 2015. Collection method: clinical testing. Allele origin: germline.
Comment: The GFM1 c.868G>A variant is predicted to result in the amino acid substitution p.Glu290Lys. To our knowledge, this variant has not been reported in the literature. This variant is reported in 0.012% of alleles in individuals of African descent in gnomAD. At this time, the clinical significance of this variant is uncertain due to the absence of conclusive functional and genetic evidence.